The following is an entry in ClinVar:

NM_000038.6(APC):c.3347G>A (p.Gly1116Asp)

Gene: APC (APC regulator of Wnt signaling pathway; plus strand). Cytogenetic location: 5q22.2.
Variant type: single nucleotide variant.
Coding change: c.3347G>A on transcript NM_000038.6 (MANE Select); coding-DNA position 3347, G replaced by A.
Protein change: p.Gly1116Asp; replaces glycine 1116 with aspartic acid.
Molecular consequence: missense variant.
Genome position (GRCh38, 1-based): chr5:112,838,941, G>A. VCF-style: chr5-112838941-G-A. GRCh37 (hg19) VCF-style: chr5-112174638-G-A.
Other names: p.G1116D:GGT>GAT; c.2969G>A, p.Gly990Asp (NM_001354904.2); c.3263G>A, p.Gly1088Asp (NM_001354899.2); c.3224G>A, p.Gly1075Asp (NM_001354900.2); c.3170G>A, p.Gly1057Asp (NM_001354901.2); c.3074G>A, p.Gly1025Asp (NM_001354902.2); c.3044G>A, p.Gly1015Asp (NM_001354903.2); c.3401G>A, p.Gly1134Asp (NM_001354896.2); and 6 more; short protein forms G1098D, G1116D, G1088D, G1126D, G1025D, G1075D, G1134D, G833D.
Identifiers: ClinVar variation 181770 (VCV000181770.26), dbSNP rs730881224, ClinGen allele CA008298.

ClinVar aggregate classification (germline): Conflicting classifications of pathogenicity. Review status: criteria provided, conflicting classifications (1 of 4 stars). 7 submissions from 7 submitters: Uncertain significance (6); Likely benign (1). Last evaluated 2025-12-28.

Conditions:
Hereditary cancer-predisposing syndrome. Also called: Tumor predisposition; Hereditary Cancer Syndrome; Hereditary neoplastic syndrome; Neoplastic Syndromes, Hereditary. Identifiers: Orphanet 140162, MedGen C0027672, MeSH D009386, MONDO:0015356.
Classic or attenuated familial adenomatous polyposis. Identifiers: MedGen CN372698, MONDO:0021057.
Familial adenomatous polyposis 1 (FAP1). Also called: FAMILIAL ADENOMATOUS POLYPOSIS 1, ATTENUATED; POLYPOSIS, ADENOMATOUS INTESTINAL. Identifiers: MedGen C2713442, MONDO:0021056, OMIM 175100. Disease mechanism: loss of function.

Allele frequency attached by ClinVar (database versions not stated): TOPMed 0.00001; gnomAD 0.00002; gnomAD exomes 0.00002.
gnomAD v4.1: 13 of 1,613,938 alleles (0.00081%); highest among the groups gnomAD compares: Middle Eastern, 0.016%; no homozygotes.

Submissions (7):

Labcorp Genetics (formerly Invitae), Labcorp
Classification: Uncertain significance for Familial adenomatous polyposis 1. Last evaluated: 2025-12-28. Review status: criteria provided, single submitter. Criteria: Invitae Variant Classification Sherloc (09022015). Collection method: clinical testing. Allele origin: germline.
Comment: This sequence change replaces glycine, which is neutral and non-polar, with aspartic acid, which is acidic and polar, at codon 1116 of the APC protein (p.Gly1116Asp). This variant is not present in population databases (gnomAD no frequency). This missense change has been observed in individual(s) with breast cancer (PMID: 25186627). ClinVar contains an entry for this variant (Variation ID: 181770). Invitae Evidence Modeling of protein sequence and biophysical properties (such as structural, functional, and spatial information, amino acid conservation, physicochemical variation, residue mobility, and thermodynamic stability) indicates that this missense variant is not expected to disrupt APC protein function with a negative predictive value of 95%. In summary, the available evidence is currently insufficient to determine the role of this variant in disease. Therefore, it has been classified as a Variant of Uncertain Significance.

ARUP Laboratories, Molecular Genetics and Genomics, ARUP Laboratories
Classification: Uncertain significance. Last evaluated: 2024-12-19. Review status: criteria provided, single submitter. Criteria: ARUP Molecular Germline Variant Investigation Process 2024. Collection method: clinical testing. Allele origin: germline.
Comment: The APC c.3347G>A; p.Gly1116Asp variant (rs730881224, ClinVar Variation ID: 181770) is reported in the literature in one individual affected with breast cancer (Tung 2015).This variant is absent from the Genome Aggregation Database (v2.1.1), indicating it is not a common polymorphism. Computational analyses are uncertain whether this variant is neutral or deleterious (REVEL: 0.376). Due to limited information, the clinical significance of this variant is uncertain at this time. References: Tung N et al. Frequency of mutations in individuals with breast cancer referred for BRCA1 and BRCA2 testing using next-generation sequencing with a 25-gene panel. Cancer. 2015 Jan 1;121(1):25-33. PMID: 25186627.

Baylor Genetics
Classification: Uncertain significance for Familial adenomatous polyposis 1. Last evaluated: 2023-11-02. Review status: criteria provided, single submitter. Criteria: ACMG Guidelines, 2015. Collection method: clinical testing. Allele origin: unknown.

GeneDx
Classification: Uncertain significance. Last evaluated: 2023-09-06. Review status: criteria provided, single submitter. Criteria: GeneDx Variant Classification Process June 2021. Collection method: clinical testing. Allele origin: germline. Affected: yes.
Comment: Not observed at significant frequency in large population cohorts (gnomAD); In silico analysis supports that this missense variant does not alter protein structure/function; Observed in an individual with breast cancer (Tung et al., 2015); This variant is associated with the following publications: (PMID: 25186627, 18199528, 37664946)

All of Us Research Program, National Institutes of Health
Classification: Uncertain significance for Classic or attenuated familial adenomatous polyposis. Last evaluated: 2023-05-31. Review status: criteria provided, single submitter. Criteria: ACMG Guidelines, 2015. Collection method: clinical testing. Allele origin: germline. Inheritance: Autosomal dominant inheritance. Observed: 2 variant alleles, 2 heterozygotes.
Comment: This missense variant replaces glycine with aspartic acid at codon 1116 of the APC protein. Computational prediction is inconclusive regarding the impact of this variant on protein structure and function (internally defined REVEL score threshold 0.5 < inconclusive < 0.7, PMID: 27666373). To our knowledge, functional studies have not been reported for this variant. This variant has been reported in individuals affected with breast cancer (PMID: 25186627). This variant has not been identified in the general population by the Genome Aggregation Database (gnomAD). The available evidence is insufficient to determine the role of this variant in disease conclusively. Therefore, this variant is classified as a Variant of Uncertain Significance.

This study involves interpretation of variants in research participants for the purpose of population health screening. Participant phenotype was not available at the time of variant classification. Additional details can be found in publication PMID: 35346344, PMCID: PMC8962531

Ambry Genetics
Classification: Likely benign for Hereditary cancer-predisposing syndrome. Last evaluated: 2023-05-23. Review status: criteria provided, single submitter. Criteria: Ambry Variant Classification Scheme 2023. Collection method: clinical testing. Allele origin: germline.

Color Diagnostics, LLC DBA Color Health
Classification: Uncertain significance for Hereditary cancer-predisposing syndrome. Last evaluated: 2023-02-08. Review status: criteria provided, single submitter. Criteria: ACMG Guidelines, 2015. Collection method: clinical testing. Allele origin: germline.
Comment: This missense variant replaces glycine with aspartic acid at codon 1116 of the APC protein. Computational prediction is inconclusive regarding the impact of this variant on protein structure and function (internally defined REVEL score threshold 0.5 < inconclusive < 0.7, PMID: 27666373). To our knowledge, functional studies have not been reported for this variant. This variant has been reported in individuals affected with breast cancer (PMID: 25186627). This variant has not been identified in the general population by the Genome Aggregation Database (gnomAD). The available evidence is insufficient to determine the role of this variant in disease conclusively. Therefore, this variant is classified as a Variant of Uncertain Significance.

Literature cited by the submitters: PubMed 25186627 (cited by 4 submitters).